The following is an entry in ClinVar:

NM_000426.4(LAMA2):c.5502G>A (p.Glu1834=)

Gene: LAMA2 (laminin subunit alpha 2; plus strand). Cytogenetic location: 6q22.33.
Variant type: single nucleotide variant.
Coding change: c.5502G>A on transcript NM_000426.4 (MANE Select); coding-DNA position 5502, G replaced by A.
Protein change: p.Glu1834=; no amino-acid change (glutamic acid 1834 retained).
Molecular consequence: synonymous variant.
Genome position (GRCh38, 1-based): chr6:129,401,280, G>A. VCF-style: chr6-129401280-G-A. GRCh37 (hg19) VCF-style: chr6-129722425-G-A.
Other names: p.Glu1834=; c.5502G>A, p.Glu1834= (NM_001079823.2).
Identifiers: ClinVar variation 92967 (VCV000092967.30), dbSNP rs3749878, ClinGen allele CA146136.

ClinVar aggregate classification (germline): Benign. Review status: criteria provided, multiple submitters, no conflicts (2 of 4 stars). 13 submissions from 12 submitters: Benign (10). 3 of the submissions do not count toward it. Last evaluated 2026-02-04.

Conditions:
Merosin deficient congenital muscular dystrophy (MDC1A). Also called: Congenital merosin-deficient muscular dystrophy 1A; Congenital Muscular Dystrophy Type 1A (MDC1A). Identifiers: Orphanet 258, MedGen C1263858, MONDO:0011925, OMIM 607855.
Congenital muscular dystrophy due to partial LAMA2 deficiency. Identifiers: MedGen C1842898.
Muscular dystrophy, limb-girdle, autosomal recessive 23. Identifiers: Orphanet 565837, MedGen C4748327, MONDO:0029136, OMIM 618138.
LAMA2-related muscular dystrophy (LAMA2-RD). Also called: Laminin alpha 2-related dystrophy. Identifiers: MedGen C5679788, MONDO:0100228.

Allele frequency attached by ClinVar (database versions not stated): gnomAD exomes 0.46966 and 0.49273; ExAC 0.49628; gnomAD 0.50693 and 0.50742; TOPMed 0.51299; ESP Exome Variant Server 0.51499; 1000 Genomes Project 30x 0.54247; 1000 Genomes Project 0.54333.
gnomAD v4.1: 758,142 of 1,600,776 alleles (47%); highest among the groups gnomAD compares: African/African-American, 63%; 183,076 homozygotes.

Submissions (13):

Labcorp Genetics (formerly Invitae), Labcorp
Classification: Benign for LAMA2-related muscular dystrophy. Last evaluated: 2026-02-04. Review status: criteria provided, single submitter. Criteria: Invitae Variant Classification Sherloc (09022015). Collection method: clinical testing. Allele origin: germline.

Blueprint Genetics
Classification: Benign. Last evaluated: 2024-11-27. Review status: criteria provided, single submitter. Criteria: ACMG Guidelines, 2015. Collection method: clinical testing. Allele origin: germline.

Genome-Nilou Lab
Classification: Benign for Merosin deficient congenital muscular dystrophy. Last evaluated: 2021-08-19. Review status: criteria provided, single submitter. Criteria: ACMG Guidelines, 2015. Collection method: clinical testing. Allele origin: germline. Affected: no.

Genome-Nilou Lab
Classification: Benign for Muscular dystrophy, limb-girdle, autosomal recessive 23. Last evaluated: 2021-08-19. Review status: criteria provided, single submitter. Criteria: ACMG Guidelines, 2015. Collection method: clinical testing. Allele origin: germline. Affected: no.

Mayo Clinic Laboratories, Mayo Clinic
Classification: Benign. Last evaluated: 2018-03-12. Review status: criteria provided, single submitter. Criteria: ACMG Guidelines, 2015. Collection method: clinical testing. Allele origin: germline. Observed: 2,198 variant alleles.

Illumina Laboratory Services, Illumina
Classification: Benign for Congenital muscular dystrophy due to partial LAMA2 deficiency. Last evaluated: 2018-01-13. Review status: criteria provided, single submitter. Criteria: ICSL Variant Classification Criteria 13 December 2019. Collection method: clinical testing. Allele origin: germline.
Comment: This variant was observed in the ICSL laboratory as part of a predisposition screen in an ostensibly healthy population. It had not been previously curated by ICSL or reported in the Human Gene Mutation Database (HGMD: prior to June 1st, 2018), and was therefore a candidate for classification through an automated scoring system. Utilizing variant allele frequency, disease prevalence and penetrance estimates, and inheritance mode, an automated score was calculated to assess if this variant is too frequent to cause the disease. Based on the score and internal cut-off values, a variant classified as benign is not then subjected to further curation. The score for this variant resulted in a classification of benign for this disease.

GeneDx
Classification: Benign. Last evaluated: 2016-01-25. Review status: criteria provided, single submitter. Criteria: GeneDx Variant Classification (06012015). Collection method: clinical testing. Allele origin: germline. Affected: yes.
Comment: This variant is considered likely benign or benign based on one or more of the following criteria: it is a conservative change, it occurs at a poorly conserved position in the protein, it is predicted to be benign by multiple in silico algorithms, and/or has population frequency not consistent with disease.

Genetic Services Laboratory, University of Chicago
Classification: Benign for AllHighlyPenetrant. Last evaluated: 2013-08-15. Review status: criteria provided, single submitter. Criteria: ACMG Guidelines, 2007. Collection method: clinical testing. Allele origin: germline. Inheritance: Autosomal recessive inheritance.

Eurofins Ntd Llc (ga)
Classification: Benign. Last evaluated: 2012-07-18. Review status: criteria provided, single submitter. Criteria: EGL Classification Definitions 2015. Collection method: clinical testing. Allele origin: germline. Observed: 55 variant alleles, 36 heterozygotes, 19 homozygotes.

PreventionGenetics, part of Exact Sciences
Classification: Benign. Review status: criteria provided, single submitter. Criteria: ACMG Guidelines, 2015. Collection method: clinical testing. Allele origin: germline.

Clinical Genetics, Academic Medical Center
Classification: Benign. Review status: no assertion criteria provided. Collection method: clinical testing. Allele origin: germline. Affected: yes. Study: VKGL Data-share Consensus. Not counted in ClinVar's aggregate classification.

Diagnostic Laboratory, Department of Genetics, University Medical Center Groningen
Classification: Benign for Merosin deficient congenital muscular dystrophy. Review status: no assertion criteria provided. Collection method: clinical testing. Allele origin: germline. Affected: yes. Study: VKGL Data-share Consensus. Not counted in ClinVar's aggregate classification.

Joint Genome Diagnostic Labs from Nijmegen and Maastricht, Radboudumc and MUMC+
Classification: Benign. Review status: no assertion criteria provided. Collection method: clinical testing. Allele origin: germline. Affected: yes. Study: VKGL Data-share Consensus. Not counted in ClinVar's aggregate classification.